The following is an entry in ClinVar:

ClinVar aggregate classification (germline): Pathogenic. Review status: criteria provided, multiple submitters, no conflicts (2 of 4 stars). 2 submissions from 2 submitters: Pathogenic (2). Last evaluated 2025-06-10.

Conditions:
Ehlers-Danlos syndrome, kyphoscoliotic type 1 (EDSKSCL1). Also called: Ehlers-Danlos syndrome, hydroxylysine-deficient; EHLERS-DANLOS SYNDROME, OCULAR-SCOLIOTIC TYPE; EHLERS-DANLOS SYNDROME, TYPE VIA; PLOD1-Related Kyphoscoliotic Ehlers-Danlos Syndrome. Identifiers: Orphanet 1900, MedGen C0268342, MONDO:0016002, OMIM 225400. Disease mechanism: loss of function.

Submissions (2):

Labcorp Genetics (formerly Invitae), Labcorp
Classification: Pathogenic for Ehlers-Danlos syndrome, kyphoscoliotic type 1. Last evaluated: 2025-06-10. Review status: criteria provided, single submitter. Criteria: Invitae Variant Classification Sherloc (09022015). Collection method: clinical testing. Allele origin: germline.
Comment: This sequence change creates a premature translational stop signal (p.Thr624Argfs*30) in the PLOD1 gene. It is expected to result in an absent or disrupted protein product. Loss-of-function variants in PLOD1 are known to be pathogenic (PMID: 10874315, 21699693). This variant is not present in population databases (gnomAD no frequency). This variant has not been reported in the literature in individuals affected with PLOD1-related conditions. For these reasons, this variant has been classified as Pathogenic.

Variantyx, Inc.
Classification: Pathogenic for Ehlers-Danlos syndrome, kyphoscoliotic type 1. Last evaluated: 2025-03-23. Review status: criteria provided, single submitter. Criteria: Variantyx Assertion Criteria 2022. Collection method: clinical testing. Allele origin: maternal. Affected: yes.
Comment: This is a frameshift variant in the PLOD1 gene (OMIM: 153454). Pathogenic variants in this gene have been associated with autosomal recessive Ehlers-Danlos syndrome kyphoscoliotic type 1. This variant introduces a premature termination codon in exon 17 out of 19. It is expected to result in loss of function, which is a known disease mechanism for PLOD1 in this disorder (PMID: 10874315, 21699693) (PVS1). This variant has a 0.0036% maximum allele frequency in non-founder control populations (PM2_Supporting). This variant has not been reported in individuals with PLOD1-related disorders in the databases available for review. Based on the current evidence, this variant is classified as pathogenic for autosomal recessive Ehlers-Danlos syndrome kyphoscoliotic type 1.

Literature cited by the submitters: PubMed 10874315 (cited by Labcorp Genetics (formerly Invitae), Labcorp); PubMed 21699693 (cited by Labcorp Genetics (formerly Invitae), Labcorp).

NM_000302.4(PLOD1):c.1870del (p.Thr624fs)

Gene: PLOD1 (procollagen-lysine,2-oxoglutarate 5-dioxygenase 1; plus strand). Cytogenetic location: 1p36.22.
Variant type: Deletion.
Coding change: c.1870del on transcript NM_000302.4 (MANE Select); coding-DNA position 1870, one base deleted (A; older notation c.1870delA).
Protein change: p.Thr624fs; shifts the reading frame from threonine 624.
Molecular consequence: frameshift variant.
Genome position (GRCh38, 1-based): chr1:11,970,784, A deleted. VCF-style (leftmost placement, unchanged base first): chr1-11970783-GA-G. GRCh37 (hg19) VCF-style: chr1-12030840-GA-G.
Other names: c.2011del, p.Thr671fs (NM_001316320.2); short protein forms T671fs, T624fs.
Identifiers: ClinVar variation 4739314 (VCV004739314.1).